The following is an entry in ClinVar:

NM_004415.4(DSP):c.4297C>T (p.Gln1433Ter)

Gene: DSP (desmoplakin; plus strand). Cytogenetic location: 6p24.3.
Variant type: single nucleotide variant.
Coding change: c.4297C>T on transcript NM_004415.4 (MANE Select); coding-DNA position 4297, C replaced by T.
Protein change: p.Gln1433Ter; replaces glutamine 1433 with a stop codon.
Molecular consequence: nonsense. On other transcripts: intron variant (2).
Genome position (GRCh38, 1-based): chr6:7,580,487, C>T. VCF-style: chr6-7580487-C-T. GRCh37 (hg19) VCF-style: chr6-7580720-C-T.
Other names: c.4297C>T (LRG_423t1); c.4050+247C>T (NM_001319034.2); c.3582+715C>T (NM_001008844.3); short protein forms Q1433*.
Identifiers: ClinVar variation 523823 (VCV000523823.42), dbSNP rs1554108283, ClinGen allele CA362685996.

ClinVar aggregate classification (germline): Pathogenic/Likely pathogenic. Review status: criteria provided, multiple submitters, no conflicts (2 of 4 stars). 4 submissions from 4 submitters: Pathogenic (2); Likely pathogenic (2). Last evaluated 2024-11-20.

Conditions:
Arrhythmogenic cardiomyopathy with wooly hair and keratoderma. Also called: Carvajal syndrome; Dilated cardiomyopathy with woolly hair and keratoderma; Arrhythmogenic cardiomyopathy with woolly hair and keratoderma; PALMOPLANTAR KERATODERMA WITH LEFT VENTRICULAR CARDIOMYOPATHY AND WOOLLY HAIR. Identifiers: Orphanet 65282, MedGen C1854063, MONDO:0011581, OMIM 605676.

Submissions (4):

GeneDx
Classification: Pathogenic. Last evaluated: 2024-11-20. Review status: criteria provided, single submitter. Criteria: GeneDx Variant Classification Process June 2021. Collection method: clinical testing. Allele origin: germline. Affected: yes.
Comment: Nonsense variant predicted to result in protein truncation or nonsense mediated decay in a gene for which loss-of-function is a known mechanism of disease; Not observed in large population cohorts (gnomAD); This variant is associated with the following publications: (PMID: 32870709)

Genomic Medicine Center of Excellence, King Faisal Specialist Hospital and Research Centre
Classification: Likely pathogenic for Arrhythmogenic cardiomyopathy with wooly hair and keratoderma. Last evaluated: 2024-04-04. Review status: criteria provided, single submitter. Criteria: ACMG Guidelines, 2015. Collection method: clinical testing. Allele origin: germline.

CeGaT Center for Human Genetics Tuebingen
Classification: Likely pathogenic. Last evaluated: 2021-07-01. Review status: criteria provided, single submitter. Criteria: CeGaT Center For Human Genetics Tuebingen Variant Classification Criteria Version 2. Collection method: clinical testing. Allele origin: germline. Affected: yes. Observed: 1 variant allele.

Baylor Genetics
Classification: Pathogenic for Arrhythmogenic cardiomyopathy with wooly hair and keratoderma. Last evaluated: 2020-06-03. Review status: criteria provided, single submitter. Criteria: ACMG Guidelines, 2015. Collection method: clinical testing. Allele origin: unknown. Affected: yes.
Comment: This variant was determined to be pathogenic according to ACMG Guidelines, 2015 [PMID:25741868].